The following is an entry in ClinVar:

ClinVar aggregate classification (germline): Likely benign. Review status: criteria provided, multiple submitters, no conflicts (2 of 4 stars). 3 submissions from 3 submitters: Likely benign (3). Last evaluated 2026-07-31.

Conditions:
ADGRV1-related disorder. Also called: ADGRV1-related disorders; ADGRV1-related condition.

Allele frequency attached by ClinVar (database versions not stated): ExAC 0.00001; gnomAD 0.00001; gnomAD exomes 0.00001 and 0.00003; TOPMed 0.00001.
gnomAD v4.1: 46 of 1,604,410 alleles (0.0029%); highest among the groups gnomAD compares: Middle Eastern, 0.018%; no homozygotes.

Submissions (3):

PreventionGenetics, part of Exact Sciences
Classification: Likely benign for ADGRV1-related condition. Last evaluated: 2026-07-31. Review status: criteria provided, single submitter. Criteria: ACMG Guidelines, 2015. Collection method: clinical testing. Allele origin: germline.
Comment: This variant is classified as likely benign based on ACMG/AMP sequence variant interpretation guidelines (Richards et al. 2015 PMID: 25741868, with internal and published modifications).

Labcorp Genetics (formerly Invitae), Labcorp
Classification: Likely benign. Last evaluated: 2025-04-14. Review status: criteria provided, single submitter. Criteria: Invitae Variant Classification Sherloc (09022015). Collection method: clinical testing. Allele origin: germline.

Blueprint Genetics
Classification: Likely benign. Last evaluated: 2022-06-07. Review status: criteria provided, single submitter. Criteria: ACMG Guidelines, 2015. Collection method: clinical testing. Allele origin: germline.

NM_032119.4(ADGRV1):c.5355T>C (p.Tyr1785=)

Gene: ADGRV1 (adhesion G protein-coupled receptor V1; plus strand). Cytogenetic location: 5q14.3.
Variant type: single nucleotide variant.
Coding change: c.5355T>C on transcript NM_032119.4 (MANE Select); coding-DNA position 5355, T replaced by C.
Protein change: p.Tyr1785=; no amino-acid change (tyrosine 1785 retained).
Molecular consequence: synonymous variant. On other transcripts: non-coding transcript variant (1).
Genome position (GRCh38, 1-based): chr5:90,676,121, T>C. VCF-style: chr5-90676121-T-C. GRCh37 (hg19) VCF-style: chr5-89971938-T-C.
Other names: c.5355T>C (NM_032119.3).
Identifiers: ClinVar variation 1160565 (VCV001160565.11), dbSNP rs778774781, ClinGen allele CA3339551.